The following is an entry in ClinVar:

NM_015559.3(SETBP1):c.10A>G (p.Arg4Gly)

Gene: SETBP1 (SET binding protein 1; plus strand). Cytogenetic location: 18q12.3.
Variant type: single nucleotide variant.
Coding change: c.10A>G on transcript NM_015559.3 (MANE Select); coding-DNA position 10, A replaced by G.
Protein change: p.Arg4Gly; replaces arginine 4 with glycine.
Molecular consequence: missense variant.
Genome position (GRCh38, 1-based): chr18:44,701,356, A>G. VCF-style: chr18-44701356-A-G. GRCh37 (hg19) VCF-style: chr18-42281321-A-G.
Other names: c.10A>G, p.Arg4Gly (NM_001130110.2, NM_001379141.1, NM_001379142.1 and 1 more transcripts); short protein forms R4G.
Identifiers: ClinVar variation 1716043 (VCV001716043.5), dbSNP rs1335280930, ClinGen allele CA402481247.
Genomic context (GRCh38, chr18:44,701,356, plus strand): 5'-CCCTTTTCCCCTTCCCCCTCCTGAGAACTCCGGAAGACTGTAGAGATTGTCATGGAGTCC[A>G]GGGAAACCTTAAGCAGCTCCCGGCAAAGAGGGGGCGAGTCAGACTTCCTGCCGGTCTCCT-3'
Protein context (NP_056374.2, residues 1-14): MES[Arg4Gly]ETLSSSRQRG

ClinVar aggregate classification (germline): Uncertain significance (1 of 4 stars; one submission).

Submission:

Labcorp Genetics (formerly Invitae), Labcorp
Classification: Uncertain significance. Last evaluated: 2022-11-08. Review status: criteria provided, single submitter. Criteria: Invitae Variant Classification Sherloc (09022015). Collection method: clinical testing. Allele origin: germline.
Comment: This variant has not been reported in the literature in individuals affected with SETBP1-related conditions. In summary, the available evidence is currently insufficient to determine the role of this variant in disease. Therefore, it has been classified as a Variant of Uncertain Significance. Algorithms developed to predict the effect of missense changes on protein structure and function are either unavailable or do not agree on the potential impact of this missense change (SIFT: "Deleterious"; PolyPhen-2: "Probably Damaging"; Align-GVGD: "Class C0"). This variant is not present in population databases (gnomAD no frequency). This sequence change replaces arginine, which is basic and polar, with glycine, which is neutral and non-polar, at codon 4 of the SETBP1 protein (p.Arg4Gly).